The following is an entry in ClinVar:

NM_014806.5(RUSC2):c.3607C>T (p.His1203Tyr)

Gene: RUSC2 (RUN and SH3 domain containing 2; plus strand). Cytogenetic location: 9p13.3.
Variant type: single nucleotide variant.
Coding change: c.3607C>T on transcript NM_014806.5 (MANE Select); coding-DNA position 3607, C replaced by T.
Protein change: p.His1203Tyr; replaces histidine 1203 with tyrosine.
Molecular consequence: missense variant. On other transcripts: non-coding transcript variant (1).
Genome position (GRCh38, 1-based): chr9:35,560,247, C>T. VCF-style: chr9-35560247-C-T. GRCh37 (hg19) VCF-style: chr9-35560244-C-T.
Other names: c.3607C>T, p.His1203Tyr (NM_001135999.2); c.973C>T, p.His325Tyr (NM_001330740.2); short protein forms H1203Y, H325Y.
Identifiers: ClinVar variation 1439064 (VCV001439064.6), dbSNP rs762635299, ClinGen allele CA5044195.

ClinVar aggregate classification (germline): Uncertain significance (1 of 4 stars; one submission).

Allele frequency attached by ClinVar (database versions not stated): gnomAD 0.00001; gnomAD exomes 0.00002 and 0.00004; ExAC 0.00009.
gnomAD v4.1: 31 of 1,598,562 alleles (0.0019%); highest among the groups gnomAD compares: South Asian, 0.034%; 1 homozygote.

Submission:

Labcorp Genetics (formerly Invitae), Labcorp
Classification: Uncertain significance. Last evaluated: 2023-10-13. Review status: criteria provided, single submitter. Criteria: Invitae Variant Classification Sherloc (09022015). Collection method: clinical testing. Allele origin: germline.
Comment: This sequence change replaces histidine, which is basic and polar, with tyrosine, which is neutral and polar, at codon 1203 of the RUSC2 protein (p.His1203Tyr). This variant is present in population databases (rs762635299, gnomAD 0.03%). This variant has not been reported in the literature in individuals affected with RUSC2-related conditions. ClinVar contains an entry for this variant (Variation ID: 1439064). An algorithm developed to predict the effect of missense changes on protein structure and function (PolyPhen-2) suggests that this variant is likely to be disruptive. In summary, the available evidence is currently insufficient to determine the role of this variant in disease. Therefore, it has been classified as a Variant of Uncertain Significance.